The following is an entry in ClinVar:

ClinVar aggregate classification (germline): Uncertain significance (1 of 4 stars; one submission).

Conditions:
Hereditary cancer-predisposing syndrome. Also called: Tumor predisposition; Hereditary Cancer Syndrome; Neoplastic Syndromes, Hereditary; Hereditary neoplastic syndrome. Identifiers: Orphanet 140162, MedGen C0027672, MeSH D009386, MONDO:0015356.

Submission:

Ambry Genetics
Classification: Uncertain significance for Hereditary cancer-predisposing syndrome. Last evaluated: 2018-12-03. Review status: criteria provided, single submitter. Criteria: Ambry Variant Classification Scheme 2023. Collection method: clinical testing. Allele origin: germline.
Comment: The p.S287T variant (also known as c.859T>A), located in coding exon 6 of the DICER1 gene, results from a T to A substitution at nucleotide position 859. The serine at codon 287 is replaced by threonine, an amino acid with similar properties. This amino acid position is not well conserved in available vertebrate species. In addition, this alteration is predicted to be tolerated by in silico analysis. Since supporting evidence is limited at this time, the clinical significance of this alteration remains unclear.

NM_177438.3(DICER1):c.859T>A (p.Ser287Thr)

Gene: DICER1 (dicer 1, ribonuclease III; minus strand). Cytogenetic location: 14q32.13.
Variant type: single nucleotide variant.
Coding change: c.859T>A on transcript NM_177438.3 (MANE Select); coding-DNA position 859, T replaced by A.
Protein change: p.Ser287Thr; replaces serine 287 with threonine.
Molecular consequence: missense variant.
Genome position (GRCh38, 1-based): chr14:95,126,624, A>T on the plus strand (T>A on the coding strand, the complement: DICER1 is on the minus strand). VCF-style: chr14-95126624-A-T. GRCh37 (hg19) VCF-style: chr14-95592961-A-T.
Other names: c.859T>A, p.Ser287Thr (NM_001195573.1, NM_001271282.3, NM_001291628.2 and 1 more transcripts); short protein forms S287T.
Identifiers: ClinVar variation 822585 (VCV000822585.4), dbSNP rs1595447725, ClinGen allele CA390887514.